The following is an entry in ClinVar:

NM_170707.4(LMNA):c.357-3991T>G

Gene: LMNA (lamin A/C; plus strand). Cytogenetic location: 1q22.
Variant type: single nucleotide variant.
Coding change: c.357-3991T>G on transcript NM_170707.4 (MANE Select); 3991 bases into the intron before coding-DNA position 357, T replaced by G.
Molecular consequence: intron variant.
Genome position (GRCh38, 1-based): chr1:156,126,626, T>G. VCF-style: chr1-156126626-T-G. GRCh37 (hg19) VCF-style: chr1-156096417-T-G.
Other names: c.357-3991T>G (NM_001282625.2, NM_001282626.2, NM_170708.4 and 2 more transcripts); c.20+403T>G (NM_001257374.3); c.-67-110T>G (NM_001282624.2).
Identifiers: ClinVar variation 672779 (VCV000672779.3), dbSNP rs594028, ClinGen allele CA052756.

ClinVar aggregate classification (germline): Benign. Review status: criteria provided, multiple submitters, no conflicts (2 of 4 stars). 3 submissions from 3 submitters: Benign (3). Last evaluated 2025-04-09.

Allele frequency attached by ClinVar (database versions not stated): gnomAD exomes 0.08744 and 0.10301; ExAC 0.18635; ESP Exome Variant Server 0.21191; gnomAD 0.21234 and 0.22050; TOPMed 0.22754; 1000 Genomes Project 0.23003; 1000 Genomes Project 30x 0.23969.
gnomAD v4.1: 115,321 of 1,091,068 alleles (11%); highest among the groups gnomAD compares: African/African-American, 57%; 14,362 homozygotes.

Submissions (3):

Molecular Diagnostic Laboratory for Inherited Cardiovascular Disease, Montreal Heart Institute
Classification: Benign. Last evaluated: 2025-04-09. Review status: criteria provided, single submitter. Criteria: ACMG Guidelines, 2015. Collection method: clinical testing. Allele origin: germline. Affected: no.

GeneDx
Classification: Benign. Last evaluated: 2018-06-14. Review status: criteria provided, single submitter. Criteria: GeneDx Variant Classification (06012015). Collection method: clinical testing. Allele origin: germline. Affected: yes.
Comment: This variant is considered likely benign or benign based on one or more of the following criteria: it is a conservative change, it occurs at a poorly conserved position in the protein, it is predicted to be benign by multiple in silico algorithms, and/or has population frequency not consistent with disease.

Breakthrough Genomics
Classification: Benign. Review status: criteria provided, single submitter. Criteria: ACMG Guidelines, 2015. Collection method: not provided. Allele origin: germline. Inheritance: Autosomal recessive inheritance. Affected: yes.